The following is an entry in ClinVar:

NM_000090.4(COL3A1):c.640C>A (p.Pro214Thr)

Gene: COL3A1 (collagen type III alpha 1 chain; plus strand). Cytogenetic location: 2q32.2.
Variant type: single nucleotide variant.
Coding change: c.640C>A on transcript NM_000090.4 (MANE Select); coding-DNA position 640, C replaced by A.
Protein change: p.Pro214Thr; replaces proline 214 with threonine.
Molecular consequence: missense variant.
Genome position (GRCh38, 1-based): chr2:188,989,399, C>A. VCF-style: chr2-188989399-C-A. GRCh37 (hg19) VCF-style: chr2-189854125-C-A.
Other names: short protein forms P214T.
Identifiers: ClinVar variation 4756987 (VCV004756987.2).

ClinVar aggregate classification (germline): Uncertain significance. Review status: criteria provided, multiple submitters, no conflicts (2 of 4 stars). 2 submissions from 2 submitters: Uncertain significance (2). Last evaluated 2025-06-29.

Conditions:
Familial thoracic aortic aneurysm and aortic dissection (TAAD). Also called: Thoracic aortic aneurysms and dissections. Identifiers: Orphanet 91387, MedGen C4707243, MONDO:0019625.

Submissions (2):

Color Diagnostics, LLC DBA Color Health
Classification: Uncertain significance for Familial thoracic aortic aneurysm and aortic dissection. Last evaluated: 2025-06-29. Review status: criteria provided, single submitter. Criteria: ACMG Guidelines, 2015. Collection method: clinical testing. Allele origin: germline.
Comment: This missense variant replaces proline with threonine at codon 214 of the COL3A1 protein. Computational prediction is inconclusive regarding the impact of this variant on protein structure and function. To our knowledge, functional studies have not been reported for this variant. This variant has not been reported in individuals affected with COL3A1-related disorders in the literature. This variant has not been identified in the general population by the Genome Aggregation Database (gnomAD). The available evidence is insufficient to determine the role of this variant in disease conclusively. Therefore, this variant is classified as a Variant of Uncertain Significance.

Blueprint Genetics
Classification: Uncertain significance. Last evaluated: 2024-08-29. Review status: criteria provided, single submitter. Criteria: ACMG Guidelines, 2015. Collection method: clinical testing. Allele origin: germline.